The following is an entry in ClinVar:

ClinVar aggregate classification (germline): Uncertain significance (1 of 4 stars; one submission).

Submission:

Labcorp Genetics (formerly Invitae), Labcorp
Classification: Uncertain significance. Last evaluated: 2022-06-26. Review status: criteria provided, single submitter. Criteria: Invitae Variant Classification Sherloc (09022015). Collection method: clinical testing. Allele origin: germline.
Comment: In summary, the available evidence is currently insufficient to determine the role of this variant in disease. Therefore, it has been classified as a Variant of Uncertain Significance. This sequence change replaces valine, which is neutral and non-polar, with alanine, which is neutral and non-polar, at codon 45 of the USB1 protein (p.Val45Ala). This variant is not present in population databases (gnomAD no frequency). This variant has not been reported in the literature in individuals affected with USB1-related conditions. Algorithms developed to predict the effect of missense changes on protein structure and function are either unavailable or do not agree on the potential impact of this missense change (SIFT: "Not Available"; PolyPhen-2: "Benign"; Align-GVGD: "Not Available").

NM_024598.4(USB1):c.134T>C (p.Val45Ala)

Gene: USB1 (U6 snRNA biogenesis phosphodiesterase 1; plus strand). Cytogenetic location: 16q21.
Variant type: single nucleotide variant.
Coding change: c.134T>C on transcript NM_024598.4 (MANE Select); coding-DNA position 134, T replaced by C.
Protein change: p.Val45Ala; replaces valine 45 with alanine.
Molecular consequence: missense variant. On other transcripts: 5 prime UTR variant (1).
Genome position (GRCh38, 1-based): chr16:58,002,514, T>C. VCF-style: chr16-58002514-T-C. GRCh37 (hg19) VCF-style: chr16-58036418-T-C.
Other names: c.134T>C, p.Val45Ala (NM_001195302.2, NM_001204911.2, NM_001330569.2); c.-20T>C (NM_001330568.2); short protein forms V45A.
Identifiers: ClinVar variation 1967877 (VCV001967877.5), dbSNP rs2544719496, ClinGen allele CA396085435.